The following is an entry in ClinVar:

ClinVar aggregate classification (germline): Uncertain significance (1 of 4 stars; one submission).

Conditions:
Hereditary cancer-predisposing syndrome. Also called: Tumor predisposition; Hereditary Cancer Syndrome; Hereditary neoplastic syndrome; Neoplastic Syndromes, Hereditary. Identifiers: Orphanet 140162, MedGen C0027672, MeSH D009386, MONDO:0015356.

Submission:

Ambry Genetics
Classification: Uncertain significance for Hereditary cancer-predisposing syndrome. Last evaluated: 2024-03-17. Review status: criteria provided, single submitter. Criteria: Ambry Variant Classification Scheme 2023. Collection method: clinical testing. Allele origin: germline.
Comment: The p.E344K variant (also known as c.1030G>A), located in coding exon 6 of the KIT gene, results from a G to A substitution at nucleotide position 1030. The glutamic acid at codon 344 is replaced by lysine, an amino acid with similar properties. This amino acid position is conserved. In addition, this alteration is predicted to be tolerated by in silico analysis. Based on the available evidence, the clinical significance of this alteration remains unclear.

NM_000222.3(KIT):c.1030G>A (p.Glu344Lys)

Gene: KIT (KIT proto-oncogene, receptor tyrosine kinase; plus strand). Cytogenetic location: 4q12.
Variant type: single nucleotide variant.
Coding change: c.1030G>A on transcript NM_000222.3 (MANE Select); coding-DNA position 1030, G replaced by A.
Protein change: p.Glu344Lys; replaces glutamic acid 344 with lysine.
Molecular consequence: missense variant.
Genome position (GRCh38, 1-based): chr4:54,707,202, G>A. VCF-style: chr4-54707202-G-A. GRCh37 (hg19) VCF-style: chr4-55573368-G-A.
Other names: c.1030G>A, p.Glu344Lys (NM_001093772.2, NM_001385285.1, NM_001385286.1); c.1033G>A, p.Glu345Lys (NM_001385284.1, NM_001385288.1, NM_001385290.1 and 1 more transcripts); short protein forms E344K, E345K.
Identifiers: ClinVar variation 3288743 (VCV003288743.1).